The following is an entry in ClinVar:

NM_017676.2(GIN1):c.716C>T (p.Thr239Met)

Gene: GIN1 (gypsy retrotransposon integrase 1; minus strand). Cytogenetic location: 5q21.1.
Variant type: single nucleotide variant.
Coding change: c.716C>T on transcript NM_017676.2 (MANE Select); coding-DNA position 716, C replaced by T.
Protein change: p.Thr239Met; replaces threonine 239 with methionine.
Molecular consequence: missense variant.
Genome position (GRCh38, 1-based): chr5:103,097,705, G>A on the plus strand (C>T on the coding strand, the complement: GIN1 is on the minus strand). VCF-style: chr5-103097705-G-A. GRCh37 (hg19) VCF-style: chr5-102433409-G-A.
Other names: c.275C>T, p.Thr92Met (NM_001317954.2); short protein forms T239M, T92M.
Identifiers: ClinVar variation 1260981 (VCV001260981.2), dbSNP rs34813, ClinGen allele CA3359604.

ClinVar aggregate classification (germline): Benign (1 of 4 stars; one submission).

Allele frequency attached by ClinVar (database versions not stated): 1000 Genomes Project 30x 0.23298; 1000 Genomes Project 0.23762; TOPMed 0.24817; ESP Exome Variant Server 0.25137.
gnomAD v4.1: 466,639 of 1,592,594 alleles (29%); highest among the groups gnomAD compares: East Asian, 45%; 71,834 homozygotes.

Submission:

GeneDx
Classification: Benign. Last evaluated: 2019-04-20. Review status: criteria provided, single submitter. Criteria: GeneDx Variant Classification Process June 2021. Collection method: clinical testing. Allele origin: germline. Affected: yes.
Comment: This variant is associated with the following publications: (PMID: 30389748)